The following is an entry in ClinVar:

NM_004369.4(COL6A3):c.1275G>T (p.Arg425Ser)

Gene: COL6A3 (collagen type VI alpha 3 chain; minus strand). Cytogenetic location: 2q37.3.
Variant type: single nucleotide variant.
Coding change: c.1275G>T on transcript NM_004369.4 (MANE Select); coding-DNA position 1275, G replaced by T.
Protein change: p.Arg425Ser; replaces arginine 425 with serine.
Molecular consequence: missense variant. On other transcripts: intron variant (2).
Genome position (GRCh38, 1-based): chr2:237,387,619, C>A on the plus strand (G>T on the coding strand, the complement: COL6A3 is on the minus strand). VCF-style: chr2-237387619-C-A. GRCh37 (hg19) VCF-style: chr2-238296262-C-A.
Other names: c.657G>T, p.Arg219Ser (NM_057165.5, NM_057167.4); c.92-6120G>T (NM_057166.5, NM_057164.5); short protein forms R425S, R219S.
Identifiers: ClinVar variation 392033 (VCV000392033.5), dbSNP rs370549716, ClinGen allele CA16604145.
Genomic context (GRCh38, chr2:237,387,619, plus strand): 5'-GATGGTGAGAAGAGGATACATACCTTGTGTGACAATGGTTGGCGGTTTCAAGACAATGTG[C>A]CTTTGGGCCACGCCAACAATGTACGGCAGTAATTTCTCCTGGAGGTCCCCAAAGCTACGG-3'
Protein context (NP_004360.2, residues 415-435): LLPYIVGVAQ[Arg425Ser]HIVLKPPTIV

ClinVar aggregate classification (germline): Uncertain significance. Review status: criteria provided, multiple submitters, no conflicts (2 of 4 stars). 2 submissions from 2 submitters: Uncertain significance (2). Last evaluated 2025-04-22.

Conditions:
Inborn genetic diseases. Identifiers: MedGen C0950123, MeSH D030342.

gnomAD v4.1: 11 of 1,613,726 alleles (0.00068%); highest among the groups gnomAD compares: South Asian, 0.0011%; no homozygotes.

Submissions (2):

GeneDx
Classification: Uncertain significance. Last evaluated: 2025-04-22. Review status: criteria provided, single submitter. Criteria: GeneDx Variant Classification Process June 2021. Collection method: clinical testing. Allele origin: germline. Affected: yes.
Comment: Not observed at significant frequency in large population cohorts (gnomAD); In silico analysis supports that this missense variant has a deleterious effect on protein structure/function; Has not been previously published as pathogenic or benign to our knowledge

Ambry Genetics
Classification: Uncertain significance for Inborn genetic diseases. Last evaluated: 2022-01-26. Review status: criteria provided, single submitter. Criteria: Ambry Variant Classification Scheme 2023. Collection method: clinical testing. Allele origin: germline.